The following is an entry in ClinVar:

NM_001232.4(CASQ2):c.1006G>A (p.Val336Ile)

Gene: CASQ2 (calsequestrin 2; minus strand). Cytogenetic location: 1p13.1.
Variant type: single nucleotide variant.
Coding change: c.1006G>A on transcript NM_001232.4 (MANE Select); coding-DNA position 1006, G replaced by A.
Protein change: p.Val336Ile; replaces valine 336 with isoleucine.
Molecular consequence: missense variant.
Genome position (GRCh38, 1-based): chr1:115,702,929, C>T on the plus strand (G>A on the coding strand, the complement: CASQ2 is on the minus strand). VCF-style: chr1-115702929-C-T. GRCh37 (hg19) VCF-style: chr1-116245550-C-T.
Other names: short protein forms V336I.
Identifiers: ClinVar variation 292127 (VCV000292127.8), dbSNP rs886045160, ClinGen allele CA10607448.

ClinVar aggregate classification (germline): Uncertain significance. Review status: criteria provided, multiple submitters, no conflicts (2 of 4 stars). 4 submissions from 4 submitters: Uncertain significance (4). Last evaluated 2025-04-27.

Conditions:
Catecholaminergic polymorphic ventricular tachycardia 2. Also called: VENTRICULAR TACHYCARDIA, STRESS-INDUCED POLYMORPHIC 2; CASQ2-Related Catecholaminergic Polymorphic Ventricular Tachycardia. Identifiers: Orphanet 3286, MedGen C2677794, MONDO:0012762, OMIM 611938.
Catecholaminergic polymorphic ventricular tachycardia 1. Also called: VENTRICULAR TACHYCARDIA, CATECHOLAMINERGIC POLYMORPHIC, 1, WITH OR WITHOUT ATRIAL DYSFUNCTION AND/OR DILATED CARDIOMYOPATHY; VENTRICULAR TACHYCARDIA, STRESS-INDUCED POLYMORPHIC 1; RYR2-Related Catecholaminergic Polymorphic Ventricular Tachycardia. Identifiers: Orphanet 3286, MedGen C1631597, MONDO:0011484, OMIM 604772.

Allele frequency attached by ClinVar (database versions not stated): gnomAD 0.00001; TOPMed 0.00001.

Submissions (4):

Labcorp Genetics (formerly Invitae), Labcorp
Classification: Uncertain significance for Catecholaminergic polymorphic ventricular tachycardia 1. Last evaluated: 2025-04-27. Review status: criteria provided, single submitter. Criteria: Invitae Variant Classification Sherloc (09022015). Collection method: clinical testing. Allele origin: germline.
Comment: This sequence change replaces valine, which is neutral and non-polar, with isoleucine, which is neutral and non-polar, at codon 336 of the CASQ2 protein (p.Val336Ile). This variant is not present in population databases (gnomAD no frequency). This variant has not been reported in the literature in individuals affected with CASQ2-related conditions. ClinVar contains an entry for this variant (Variation ID: 292127). Invitae Evidence Modeling of protein sequence and biophysical properties (such as structural, functional, and spatial information, amino acid conservation, physicochemical variation, residue mobility, and thermodynamic stability) has been performed for this missense variant. However, the output from this modeling did not meet the statistical confidence thresholds required to predict the impact of this variant on CASQ2 protein function. In summary, the available evidence is currently insufficient to determine the role of this variant in disease. Therefore, it has been classified as a Variant of Uncertain Significance.

Genome-Nilou Lab
Classification: Uncertain significance for Catecholaminergic polymorphic ventricular tachycardia 2. Last evaluated: 2023-04-11. Review status: criteria provided, single submitter. Criteria: ACMG Guidelines, 2015. Collection method: clinical testing. Allele origin: germline. Affected: no.

Fulgent Genetics
Classification: Uncertain significance for Catecholaminergic polymorphic ventricular tachycardia 1; Catecholaminergic polymorphic ventricular tachycardia 2. Last evaluated: 2021-07-28. Review status: criteria provided, single submitter. Criteria: ACMG Guidelines, 2015. Collection method: clinical testing. Allele origin: unknown.

Illumina Laboratory Services, Illumina
Classification: Uncertain significance for Catecholaminergic polymorphic ventricular tachycardia 2. Last evaluated: 2018-01-13. Review status: criteria provided, single submitter. Criteria: ICSL Variant Classification Criteria 13 December 2019. Collection method: clinical testing. Allele origin: germline.